The following is an entry in ClinVar:

ClinVar aggregate classification (germline): Likely benign. Review status: criteria provided, multiple submitters, no conflicts (2 of 4 stars). 2 submissions from 2 submitters: Likely benign (2). Last evaluated 2025-08-20.

Conditions:
Nephronophthisis. Also called: Juvenile Nephronophthisis. Identifiers: Orphanet 655, MedGen C0687120, MONDO:0019005, HP:0000090.
INVS-related disorder. Also called: INVS-related condition.

gnomAD v4.1: 8 of 1,614,096 alleles (0.0005%); highest among the groups gnomAD compares: Non-Finnish European, 0.00068%; no homozygotes.

Submissions (2):

PreventionGenetics, part of Exact Sciences
Classification: Likely benign for INVS-related condition. Last evaluated: 2025-08-20. Review status: criteria provided, single submitter. Criteria: ACMG Guidelines, 2015. Collection method: clinical testing. Allele origin: germline.
Comment: This variant is classified as likely benign based on ACMG/AMP sequence variant interpretation guidelines (Richards et al. 2015 PMID: 25741868, with internal and published modifications).

Labcorp Genetics (formerly Invitae), Labcorp
Classification: Likely benign for Nephronophthisis. Last evaluated: 2022-07-24. Review status: criteria provided, single submitter. Criteria: Invitae Variant Classification Sherloc (09022015). Collection method: clinical testing. Allele origin: germline.

NM_014425.5(INVS):c.546C>G (p.Gly182=)

Gene: INVS (inversin; plus strand). Cytogenetic location: 9q31.1.
Variant type: single nucleotide variant.
Coding change: c.546C>G on transcript NM_014425.5 (MANE Select); coding-DNA position 546, C replaced by G.
Protein change: p.Gly182=; no amino-acid change (glycine 182 retained).
Molecular consequence: synonymous variant. On other transcripts: 5 prime UTR variant (1), non-coding transcript variant (1).
Genome position (GRCh38, 1-based): chr9:100,229,758, C>G. VCF-style: chr9-100229758-C-G. GRCh37 (hg19) VCF-style: chr9-102992040-C-G.
Other names: c.546C>G (NM_014425.4); c.258C>G, p.Gly86= (NM_001318381.2); c.-444C>G (NM_001318382.2).
Identifiers: ClinVar variation 1147957 (VCV001147957.10), dbSNP rs1289228389, ClinGen allele CA466553400.